The following is an entry in ClinVar:

NM_000038.6(APC):c.8144C>G (p.Thr2715Ser)

Gene: APC (APC regulator of Wnt signaling pathway; plus strand). Cytogenetic location: 5q22.2.
Variant type: single nucleotide variant.
Coding change: c.8144C>G on transcript NM_000038.6 (MANE Select); coding-DNA position 8144, C replaced by G.
Protein change: p.Thr2715Ser; replaces threonine 2715 with serine.
Molecular consequence: missense variant. On other transcripts: non-coding transcript variant (2).
Genome position (GRCh38, 1-based): chr5:112,843,738, C>G. VCF-style: chr5-112843738-C-G. GRCh37 (hg19) VCF-style: chr5-112179435-C-G.
Other names: c.8144C>G, p.Thr2715Ser (NM_001127510.3, NM_001354895.2, NM_001407450.1); c.8090C>G, p.Thr2697Ser (NM_001127511.3); c.8198C>G, p.Thr2733Ser (NM_001354896.2, NM_001407447.1, NM_001407448.1 and 1 more transcripts); c.8174C>G, p.Thr2725Ser (NM_001354897.2); c.8069C>G, p.Thr2690Ser (NM_001354898.2); c.8060C>G, p.Thr2687Ser (NM_001354899.2); c.8021C>G, p.Thr2674Ser (NM_001354900.2); c.7967C>G, p.Thr2656Ser (NM_001354901.2, NM_001407453.1); and 11 more; short protein forms T2331S, T2555S, T2589S, T2674S, T2690S, T2705S, T2715S, T2586S.
Identifiers: ClinVar variation 3929781 (VCV003929781.1).

ClinVar aggregate classification (germline): Uncertain significance (1 of 4 stars; one submission).

Conditions:
Hereditary cancer-predisposing syndrome. Also called: Hereditary Cancer Syndrome; Hereditary neoplastic syndrome; Neoplastic Syndromes, Hereditary; Tumor predisposition. Identifiers: Orphanet 140162, MedGen C0027672, MeSH D009386, MONDO:0015356.

Submission:

Ambry Genetics
Classification: Uncertain significance for Hereditary cancer-predisposing syndrome. Last evaluated: 2025-05-31. Review status: criteria provided, single submitter. Criteria: Ambry Variant Classification Scheme 2023. Collection method: clinical testing. Allele origin: germline.
Comment: The p.T2715S variant (also known as c.8144C>G), located in coding exon 15 of the APC gene, results from a C to G substitution at nucleotide position 8144. The threonine at codon 2715 is replaced by serine, an amino acid with similar properties. This amino acid position is conserved. In addition, in silico predictors for this gene do not accurately predict pathogenicity. Based on the available evidence, the clinical significance of this variant remains unclear.